The following is an entry in ClinVar:

ClinVar aggregate classification (germline): Uncertain significance (1 of 4 stars; one submission).

Allele frequency attached by ClinVar (database versions not stated): gnomAD exomes below 0.00001; TOPMed below 0.00001; ExAC 0.00001.
gnomAD v4.1: 2 of 1,612,634 alleles (0.00012%); highest among the groups gnomAD compares: African/African-American, 0.0027%; no homozygotes.

Submission:

Labcorp Genetics (formerly Invitae), Labcorp
Classification: Uncertain significance. Last evaluated: 2022-08-16. Review status: criteria provided, single submitter. Criteria: Invitae Variant Classification Sherloc (09022015). Collection method: clinical testing. Allele origin: germline.
Comment: In summary, the available evidence is currently insufficient to determine the role of this variant in disease. Therefore, it has been classified as a Variant of Uncertain Significance. Algorithms developed to predict the effect of missense changes on protein structure and function output the following: SIFT: "Deleterious"; PolyPhen-2: "Benign"; Align-GVGD: "Class C65". The glycine amino acid residue is found in multiple mammalian species, which suggests that this missense change does not adversely affect protein function. ClinVar contains an entry for this variant (Variation ID: 963788). This variant has not been reported in the literature in individuals affected with RIMS1-related conditions. This variant is present in population databases (rs747580614, gnomAD no frequency). This sequence change replaces arginine, which is basic and polar, with glycine, which is neutral and non-polar, at codon 1006 of the RIMS1 protein (p.Arg1006Gly).

NM_014989.7(RIMS1):c.3016A>G (p.Arg1006Gly)

Gene: RIMS1 (regulating synaptic membrane exocytosis 1; plus strand). Cytogenetic location: 6q13.
Variant type: single nucleotide variant.
Coding change: c.3016A>G on transcript NM_014989.7 (MANE Select); coding-DNA position 3016, A replaced by G.
Protein change: p.Arg1006Gly; replaces arginine 1006 with glycine.
Molecular consequence: missense variant.
Genome position (GRCh38, 1-based): chr6:72,259,074, A>G. VCF-style: chr6-72259074-A-G. GRCh37 (hg19) VCF-style: chr6-72968777-A-G.
Other names: c.1435A>G, p.Arg479Gly (NM_001168407.2, NM_001350415.2, NM_001350418.2 and 19 more transcripts); c.1438A>G, p.Arg480Gly (NM_001168408.2, NM_001350414.2, NM_001350416.2 and 15 more transcripts); c.1195A>G, p.Arg399Gly (NM_001168409.2, NM_001350464.2, NM_001350465.2 and 3 more transcripts); c.1393A>G, p.Arg465Gly (NM_001168410.2, NM_001350470.2, NM_001350473.2 and 1 more transcripts); c.1366A>G, p.Arg456Gly (NM_001350421.2, NM_001350430.2, NM_001350437.2 and 2 more transcripts); c.1369A>G, p.Arg457Gly (NM_001350424.2, NM_001350428.2, NM_001350459.2 and 1 more transcripts); c.1192A>G, p.Arg398Gly (NM_001350461.2, NM_001350463.2, NM_001350468.2); c.1390A>G, p.Arg464Gly (NM_001350472.2); short protein forms R398G, R457G, R479G, R456G, R1006G, R399G, R464G, R465G.
Identifiers: ClinVar variation 963788 (VCV000963788.7), dbSNP rs747580614, ClinGen allele CA3886099.